The following is an entry in ClinVar:

NM_000540.3(RYR1):c.10755C>T (p.Asp3585=)

Gene: RYR1 (ryanodine receptor 1; plus strand). Cytogenetic location: 19q13.2.
Variant type: single nucleotide variant.
Coding change: c.10755C>T on transcript NM_000540.3 (MANE Select); coding-DNA position 10755, C replaced by T.
Protein change: p.Asp3585=; no amino-acid change (aspartic acid 3585 retained).
Molecular consequence: synonymous variant.
Genome position (GRCh38, 1-based): chr19:38,527,715, C>T. VCF-style: chr19-38527715-C-T. GRCh37 (hg19) VCF-style: chr19-39018355-C-T.
Other names: c.10740C>T, p.Asp3580= (NM_001042723.2).
Identifiers: ClinVar variation 1570646 (VCV001570646.9), dbSNP rs565882584, ClinGen allele CA054624.

ClinVar aggregate classification (germline): Likely benign. Review status: criteria provided, multiple submitters, no conflicts (2 of 4 stars). 2 submissions from 2 submitters: Likely benign (2). Last evaluated 2025-01-15.

Conditions:
RYR1-related disorder. Also called: RYR1-related condition; RYR1-related disorders. Identifiers: MedGen CN239331.
Malignant hyperthermia, susceptibility to, 1 (MHS1). Also called: RYR1-Related Malignant Hyperthermia Susceptibility; Anesthesia related hyperthermia; Malignant hyperpyrexia; Fulminating hyperpyrexia; Pharmacogenic myopathy; Malignant hyperthermia suceptibility 1. Identifiers: Orphanet 423, MedGen C2930980, MONDO:0007783, OMIM 145600.

Allele frequency attached by ClinVar (database versions not stated): gnomAD 0.00001; gnomAD exomes 0.00001 and 0.00002; ExAC 0.00002; 1000 Genomes Project 30x 0.00016; 1000 Genomes Project 0.00020.
gnomAD v4.1: 12 of 1,614,062 alleles (0.00074%); highest among the groups gnomAD compares: South Asian, 0.0077%; no homozygotes.

Submissions (2):

Labcorp Genetics (formerly Invitae), Labcorp
Classification: Likely benign for RYR1-related disorder. Last evaluated: 2025-01-15. Review status: criteria provided, single submitter. Criteria: Invitae Variant Classification Sherloc (09022015). Collection method: clinical testing. Allele origin: germline.

All of Us Research Program, National Institutes of Health
Classification: Likely benign for Malignant hyperthermia, susceptibility to, 1. Last evaluated: 2023-05-08. Review status: criteria provided, single submitter. Criteria: ACMG Guidelines, 2015. Collection method: clinical testing. Allele origin: germline. Inheritance: Autosomal dominant inheritance. Observed: 2 variant alleles, 2 heterozygotes.
Comment: This study involves interpretation of variants in research participants for the purpose of population health screening. Participant phenotype was not available at the time of variant classification. Additional details can be found in publication PMID: 35346344, PMCID: PMC8962531